The following is an entry in ClinVar:

ClinVar aggregate classification (germline): Uncertain significance (1 of 4 stars; one submission).

Conditions:
Spastic paraplegia. Identifiers: MedGen C0037772, HP:0001258.

Allele frequency attached by ClinVar (database versions not stated): ExAC 0.00001.
gnomAD v4.1: 13 of 1,613,438 alleles (0.00081%); highest among the groups gnomAD compares: East Asian, 0.029%; no homozygotes.

Submission:

Labcorp Genetics (formerly Invitae), Labcorp
Classification: Uncertain significance for Spastic paraplegia. Last evaluated: 2023-03-26. Review status: criteria provided, single submitter. Criteria: Invitae Variant Classification Sherloc (09022015). Collection method: clinical testing. Allele origin: germline.
Comment: In summary, the available evidence is currently insufficient to determine the role of this variant in disease. Therefore, it has been classified as a Variant of Uncertain Significance. Variants that disrupt the consensus splice site are a relatively common cause of aberrant splicing (PMID: 17576681, 9536098). Algorithms developed to predict the effect of sequence changes on RNA splicing suggest that this variant is not likely to affect RNA splicing. This variant has not been reported in the literature in individuals affected with KIF5A-related conditions. This variant is present in population databases (rs761034249, gnomAD 0.006%). This sequence change falls in intron 3 of the KIF5A gene. It does not directly change the encoded amino acid sequence of the KIF5A protein. It affects a nucleotide within the consensus splice site.

Literature cited by the submitters: PubMed 17576681; PubMed 9536098.

NM_004984.4(KIF5A):c.291+6G>C

Gene: KIF5A (kinesin family member 5A; plus strand). Cytogenetic location: 12q13.3.
Variant type: single nucleotide variant.
Coding change: c.291+6G>C on transcript NM_004984.4 (MANE Select); 6 bases into the intron after coding-DNA position 291, G replaced by C.
Molecular consequence: intron variant.
Genome position (GRCh38, 1-based): chr12:57,563,699, G>C. VCF-style: chr12-57563699-G-C. GRCh37 (hg19) VCF-style: chr12-57957482-G-C.
Other names: c.130-761G>C (NM_001354705.2).
Identifiers: ClinVar variation 2855718 (VCV002855718.3), dbSNP rs761034249, ClinGen allele CA6652544.